The following is an entry in ClinVar:

ClinVar aggregate classification (germline): Conflicting classifications of pathogenicity. Review status: criteria provided, conflicting classifications (1 of 4 stars). 2 submissions from 2 submitters: Uncertain significance (1); Likely benign (1). Last evaluated 2024-12-10.

Conditions:
Combined oxidative phosphorylation deficiency. Identifiers: MedGen C4540031, MONDO:0000732.
Charcot-Marie-Tooth Neuropathy X. Identifiers: MedGen CN118851.

Allele frequency attached by ClinVar (database versions not stated): gnomAD exomes below 0.00001.
gnomAD v4.1: 2 of 1,211,825 alleles (0.00017%); highest among the groups gnomAD compares: Admixed American, 0.0043%; no homozygotes.

Submissions (2):

GeneDx
Classification: Uncertain significance. Last evaluated: 2024-12-10. Review status: criteria provided, single submitter. Criteria: GeneDx Variant Classification Process June 2021. Collection method: clinical testing. Allele origin: germline. Affected: yes.
Comment: Not observed at significant frequency in large population cohorts (gnomAD); In silico analysis indicates that this variant does not alter splicing; Has not been previously published as pathogenic or benign to our knowledge

Labcorp Genetics (formerly Invitae), Labcorp
Classification: Likely benign for Charcot-Marie-Tooth Neuropathy X; Combined oxidative phosphorylation deficiency. Last evaluated: 2024-05-20. Review status: criteria provided, single submitter. Criteria: Invitae Variant Classification Sherloc (09022015). Collection method: clinical testing. Allele origin: germline.

NM_004208.4(AIFM1):c.174T>A (p.Gly58=)

Genes: AIFM1 (apoptosis inducing factor mitochondria associated 1; minus strand), RAB33A (RAB33A, member RAS oncogene family; plus strand). Cytogenetic location: Xq26.1.
Variant type: single nucleotide variant.
Coding change: c.174T>A on transcript NM_004208.4 (MANE Select); coding-DNA position 174, T replaced by A.
Protein change: p.Gly58=; no amino-acid change (glycine 58 retained).
Molecular consequence: synonymous variant. On other transcripts: intron variant (1).
Genome position (GRCh38, 1-based): chrX:130,156,536, A>T on the plus strand (T>A on the coding strand, the complement: AIFM1 is on the minus strand). VCF-style: chrX-130156536-A-T. GRCh37 (hg19) VCF-style: chrX-129290510-A-T.
Other names: c.174T>A, p.Gly58= (NM_001130847.4); c.107-1250T>A (NM_145812.3); c.174T>A (NM_004208.3).
Identifiers: ClinVar variation 1954172 (VCV001954172.6), dbSNP rs1295812149, ClinGen allele CA518471202.